The following is an entry in ClinVar:

ClinVar aggregate classification (germline): Uncertain significance. Review status: criteria provided, multiple submitters, no conflicts (2 of 4 stars). 2 submissions from 2 submitters: Uncertain significance (2). Last evaluated 2022-09-29.

Conditions:
NBEA-related disorder. Also called: NBEA-related condition.

Allele frequency attached by ClinVar (database versions not stated): gnomAD exomes below 0.00001; gnomAD 0.00001; TOPMed 0.00001.
gnomAD v4.1: 2 of 1,603,596 alleles (0.00012%); highest among the groups gnomAD compares: Non-Finnish European, 0.00017%; no homozygotes.

Submissions (2):

PreventionGenetics, part of Exact Sciences
Classification: Uncertain significance for NBEA-related condition. Last evaluated: 2022-09-29. Review status: criteria provided, single submitter. Criteria: ACMG Guidelines, 2015. Collection method: clinical testing. Allele origin: germline.
Comment: The NBEA c.5983G>A variant is predicted to result in the amino acid substitution p.Glu1995Lys. To our knowledge, this variant has not been reported in the literature or in a large population database, indicating this variant is rare. At this time, the clinical significance of this variant is uncertain due to the absence of conclusive functional and genetic evidence.

GeneDx
Classification: Uncertain significance. Last evaluated: 2019-04-22. Review status: criteria provided, single submitter. Criteria: GeneDx Variant Classification Process June 2021. Collection method: clinical testing. Allele origin: germline. Affected: yes.
Comment: Not observed in large population cohorts (Lek et al., 2016); In silico analysis, which includes protein predictors and evolutionary conservation, supports a deleterious effect; Has not been previously published as pathogenic or benign to our knowledge

NM_001385012.1(NBEA):c.5983G>A (p.Glu1995Lys)

Gene: NBEA (neurobeachin; plus strand). Cytogenetic location: 13q13.3.
Variant type: single nucleotide variant.
Coding change: c.5983G>A on transcript NM_001385012.1 (MANE Select); coding-DNA position 5983, G replaced by A.
Protein change: p.Glu1995Lys; replaces glutamic acid 1995 with lysine.
Molecular consequence: missense variant.
Genome position (GRCh38, 1-based): chr13:35,349,187, G>A. VCF-style: chr13-35349187-G-A. GRCh37 (hg19) VCF-style: chr13-35923324-G-A.
Other names: c.5974G>A, p.Glu1992Lys (NM_001379245.1); c.5983G>A, p.Glu1995Lys (NM_015678.5); short protein forms E1992K, E1995K.
Identifiers: ClinVar variation 1316441 (VCV001316441.3), dbSNP rs1325457921, ClinGen allele CA387979696.